The following is an entry in ClinVar:

NM_001486.4(GCKR):c.751-1G>A

Gene: GCKR (glucokinase regulator; plus strand). Cytogenetic location: 2p23.3.
Variant type: single nucleotide variant.
Coding change: c.751-1G>A on transcript NM_001486.4 (MANE Select); the canonical splice acceptor site of the intron before coding-DNA position 751, G replaced by A.
Molecular consequence: splice acceptor variant.
Genome position (GRCh38, 1-based): chr2:27,505,717, G>A. VCF-style: chr2-27505717-G-A. GRCh37 (hg19) VCF-style: chr2-27728584-G-A.
Identifiers: ClinVar variation 1711494 (VCV001711494.30), dbSNP rs2466112266, ClinGen allele CA346415901.

ClinVar aggregate classification (germline): Uncertain significance (1 of 4 stars; one submission).

Submission:

CeGaT Center for Human Genetics Tuebingen
Classification: Uncertain significance. Last evaluated: 2022-08-01. Review status: criteria provided, single submitter. Criteria: CeGaT Center For Human Genetics Tuebingen Variant Classification Criteria Version 2. Collection method: clinical testing. Allele origin: germline. Affected: yes. Observed: 1 variant allele.
Comment: GCKR: PM2, PP3